The following is an entry in ClinVar:

NM_000059.4(BRCA2):c.6955dup (p.Arg2319fs)

Gene: BRCA2 (BRCA2 DNA repair associated; plus strand). Cytogenetic location: 13q13.1.
Variant type: Duplication.
Coding change: c.6955dup on transcript NM_000059.4 (MANE Select); coding-DNA position 6955, one base duplicated (A; older notation c.6955dupA).
Protein change: p.Arg2319fs; shifts the reading frame from arginine 2319.
Molecular consequence: frameshift variant. On other transcripts: non-coding transcript variant (1).
Genome position (GRCh38, 1-based): chr13:32,346,844, A duplicated; the last of 2 consecutive A bases (chr13:32,346,843-32,346,844); duplicating either gives the same sequence. VCF-style (leftmost placement, unchanged base first): chr13-32346842-G-GA. GRCh37 (hg19) VCF-style: chr13-32920979-G-GA.
Other names: c.6859dup, p.Arg2287fs (NM_001406719.1); c.6955dup, p.Arg2319fs (NM_001406720.1, NM_001432077.1); c.2023dup, p.Arg675fs (NM_001406721.1); c.538dup, p.Arg180fs (NM_001406722.1); short protein forms R180fs, R2287fs, R2319fs, R675fs.
Identifiers: ClinVar variation 4845301 (VCV004845301.1).

ClinVar aggregate classification (germline): Pathogenic (1 of 4 stars; one submission).

Conditions:
Inherited breast cancer and ovarian cancer.

Submission:

Genetics Laboratory, Great Ormond Street Hospital NHS Foundation Trust, North Thames Genomic Laboratory Hub
Classification: Pathogenic for Inherited breast cancer and ovarian cancer. Last evaluated: 2026-02-26. Review status: criteria provided, single submitter. Criteria: CanVIG BRCA Gene Specific V1.22. Collection method: clinical testing. Allele origin: germline. Affected: yes.
Comment: PM2_moderate, PVS1_very-strong, PM5_strong